The following is an entry in ClinVar:

NM_014806.5(RUSC2):c.4318C>T (p.His1440Tyr)

Gene: RUSC2 (RUN and SH3 domain containing 2; plus strand). Cytogenetic location: 9p13.3.
Variant type: single nucleotide variant.
Coding change: c.4318C>T on transcript NM_014806.5 (MANE Select); coding-DNA position 4318, C replaced by T.
Protein change: p.His1440Tyr; replaces histidine 1440 with tyrosine.
Molecular consequence: missense variant. On other transcripts: non-coding transcript variant (1).
Genome position (GRCh38, 1-based): chr9:35,561,066, C>T. VCF-style: chr9-35561066-C-T. GRCh37 (hg19) VCF-style: chr9-35561063-C-T.
Other names: c.4318C>T, p.His1440Tyr (NM_001135999.2); c.1684C>T, p.His562Tyr (NM_001330740.2); short protein forms H1440Y, H562Y.
Identifiers: ClinVar variation 1356808 (VCV001356808.4), dbSNP rs768814494, ClinGen allele CA5044352.

ClinVar aggregate classification (germline): Uncertain significance (1 of 4 stars; one submission).

Allele frequency attached by ClinVar (database versions not stated): gnomAD exomes 0.00002 and 0.00004; TOPMed 0.00002; ExAC 0.00003.
gnomAD v4.1: 14 of 1,614,146 alleles (0.00087%); highest among the groups gnomAD compares: Admixed American, 0.022%; no homozygotes.

Submission:

Labcorp Genetics (formerly Invitae), Labcorp
Classification: Uncertain significance. Last evaluated: 2024-10-29. Review status: criteria provided, single submitter. Criteria: Invitae Variant Classification Sherloc (09022015). Collection method: clinical testing. Allele origin: germline.
Comment: This sequence change replaces histidine, which is basic and polar, with tyrosine, which is neutral and polar, at codon 1440 of the RUSC2 protein (p.His1440Tyr). This variant is present in population databases (rs768814494, gnomAD 0.03%). This variant has not been reported in the literature in individuals affected with RUSC2-related conditions. ClinVar contains an entry for this variant (Variation ID: 1356808). An algorithm developed to predict the effect of missense changes on protein structure and function (PolyPhen-2) suggests that this variant¬†is likely to be tolerated. In summary, the available evidence is currently insufficient to determine the role of this variant in disease. Therefore, it has been classified as a Variant of Uncertain Significance.